The following is an entry in ClinVar:

ClinVar aggregate classification (germline): Uncertain significance (1 of 4 stars; one submission).

Conditions:
GNAS-related disorder. Identifiers: MedGen CN380105.

gnomAD v4.1: 1 of 1,605,388 alleles (0.000062%); highest among the groups gnomAD compares: African/African-American, 0.0013%; no homozygotes.

Submission:

PreventionGenetics, part of Exact Sciences
Classification: Uncertain significance for GNAS-related condition. Last evaluated: 2025-09-03. Review status: criteria provided, single submitter. Criteria: ACMG Guidelines, 2015. Collection method: clinical testing. Allele origin: germline.
Comment: The GNAS c.632A>C variant is predicted to result in the amino acid substitution p.Lys211Thr. Of note, in the more commonly reported transcript (NM_000516.5) this variant is pre-coding (c.-50989A>C). To our knowledge, this variant has not been reported in the literature or in a large population database (gnomAD), indicating this variant is rare. At this time, the clinical significance of this variant is uncertain due to the absence of conclusive functional and genetic evidence.

NM_016592.5(GNAS):c.632A>C (p.Lys211Thr)

Genes: GNAS (GNAS complex locus; plus strand), GNAS-AS1 (GNAS antisense RNA 1; minus strand). Cytogenetic location: 20q13.32.
Variant type: single nucleotide variant.
Coding change: c.632A>C on transcript NM_016592.5 (MANE Plus Clinical); coding-DNA position 632, A replaced by C.
Protein change: p.Lys211Thr; replaces lysine 211 with threonine.
Molecular consequence: missense variant. On other transcripts: 5 prime UTR variant (1).
Genome position (GRCh38, 1-based): chr20:58,840,738, A>C. VCF-style: chr20-58840738-A-C. GRCh37 (hg19) VCF-style: chr20-57415793-A-C.
Other names: c.-106A>C (NM_001410912.1); short protein forms K211T.
Identifiers: ClinVar variation 4991686 (VCV004991686.1).